The following is an entry in ClinVar:

ClinVar aggregate classification (germline): Uncertain significance. Review status: criteria provided, multiple submitters, no conflicts (2 of 4 stars). 2 submissions from 2 submitters: Uncertain significance (2). Last evaluated 2024-11-21.

Conditions:
Baller-Gerold syndrome (BGS). Also called: CRANIOSYNOSTOSIS WITH RADIAL DEFECTS. Identifiers: Orphanet 1225, MedGen C0265308, MONDO:0009039, OMIM 218600.
Inborn genetic diseases. Identifiers: MedGen C0950123, MeSH D030342.

Allele frequency attached by ClinVar (database versions not stated): gnomAD exomes below 0.00001; ExAC 0.00001; TOPMed 0.00001.

Submissions (2):

Ambry Genetics
Classification: Uncertain significance for Inborn genetic diseases. Last evaluated: 2024-11-21. Review status: criteria provided, single submitter. Criteria: Ambry Variant Classification Scheme 2023. Collection method: clinical testing. Allele origin: germline.
Comment: The p.E215Q variant (also known as c.643G>C), located in coding exon 5 of the RECQL4 gene, results from a G to C substitution at nucleotide position 643. The glutamic acid at codon 215 is replaced by glutamine, an amino acid with highly similar properties. This amino acid position is conserved. In addition, this alteration is predicted to be tolerated by in silico analysis. Based on the available evidence, the clinical significance of this variant remains unclear.

Labcorp Genetics (formerly Invitae), Labcorp
Classification: Uncertain significance for Baller-Gerold syndrome. Last evaluated: 2024-03-15. Review status: criteria provided, single submitter. Criteria: Invitae Variant Classification Sherloc (09022015). Collection method: clinical testing. Allele origin: germline.
Comment: This sequence change replaces glutamic acid, which is acidic and polar, with glutamine, which is neutral and polar, at codon 215 of the RECQL4 protein (p.Glu215Gln). This variant is present in population databases (rs749049274, gnomAD 0.007%). This variant has not been reported in the literature in individuals affected with RECQL4-related conditions. ClinVar contains an entry for this variant (Variation ID: 1390670). Advanced modeling of protein sequence and biophysical properties (such as structural, functional, and spatial information, amino acid conservation, physicochemical variation, residue mobility, and thermodynamic stability) performed at Invitae indicates that this missense variant is not expected to disrupt RECQL4 protein function with a negative predictive value of 80%. In summary, the available evidence is currently insufficient to determine the role of this variant in disease. Therefore, it has been classified as a Variant of Uncertain Significance.

NM_004260.4(RECQL4):c.643G>C (p.Glu215Gln)

Gene: RECQL4 (RecQ like helicase 4; minus strand). Cytogenetic location: 8q24.3.
Variant type: single nucleotide variant.
Coding change: c.643G>C on transcript NM_004260.4 (MANE Select); coding-DNA position 643, G replaced by C.
Protein change: p.Glu215Gln; replaces glutamic acid 215 with glutamine.
Molecular consequence: missense variant.
Genome position (GRCh38, 1-based): chr8:144,516,476, C>G on the plus strand (G>C on the coding strand, the complement: RECQL4 is on the minus strand). VCF-style: chr8-144516476-C-G. GRCh37 (hg19) VCF-style: chr8-145741860-C-G.
Other names: c.643G>C (NM_004260.3); short protein forms E215Q.
Identifiers: ClinVar variation 1390670 (VCV001390670.7), dbSNP rs749049274, ClinGen allele CA4949226.